The following is an entry in ClinVar:

NM_000085.5(CLCNKB):c.1471G>A (p.Val491Met)

Genes: CLCNKB (chloride voltage-gated channel Kb; plus strand), LOC106501713 (CLCNKB recombination region; plus strand). Cytogenetic location: 1p36.13.
Variant type: single nucleotide variant.
Coding change: c.1471G>A on transcript NM_000085.5 (MANE Select); coding-DNA position 1471, G replaced by A.
Protein change: p.Val491Met; replaces valine 491 with methionine.
Molecular consequence: missense variant.
Genome position (GRCh38, 1-based): chr1:16,052,260, G>A. VCF-style: chr1-16052260-G-A. GRCh37 (hg19) VCF-style: chr1-16378755-G-A.
Other names: c.964G>A, p.Val322Met (NM_001165945.2); short protein forms V491M, V322M.
Identifiers: ClinVar variation 1895851 (VCV001895851.5), dbSNP rs773629445, ClinGen allele CA623889.
Genomic context (GRCh38, chr1:16,052,260, plus strand): 5'-GCTGCAGCCTTCTCAGGGGCTGTGACCCACACCATCTCCACGGCGCTGCTGGCCTTCGAG[G>A]TGACCGGCCAGATAGTGCATGCACTGCCCGTGCTGATGGCGGTGCTGGCAGCCAACGCCA-3'
Protein context (NP_000076.2, residues 481-501): TISTALLAFE[Val491Met]TGQIVHALPV

ClinVar aggregate classification (germline): Uncertain significance (1 of 4 stars; one submission).

gnomAD v4.1: 14 of 1,613,202 alleles (0.00087%); highest among the groups gnomAD compares: Non-Finnish European, 0.0011%; no homozygotes.

Submission:

Labcorp Genetics (formerly Invitae), Labcorp
Classification: Uncertain significance. Last evaluated: 2022-08-10. Review status: criteria provided, single submitter. Criteria: Invitae Variant Classification Sherloc (09022015). Collection method: clinical testing. Allele origin: germline.
Comment: This variant has not been reported in the literature in individuals affected with CLCNKB-related conditions. This variant is present in population databases (rs773629445, gnomAD 0.0009%). This sequence change replaces valine, which is neutral and non-polar, with methionine, which is neutral and non-polar, at codon 491 of the CLCNKB protein (p.Val491Met). Advanced modeling of protein sequence and biophysical properties (such as structural, functional, and spatial information, amino acid conservation, physicochemical variation, residue mobility, and thermodynamic stability) performed at Invitae indicates that this missense variant is not expected to disrupt CLCNKB protein function. In summary, the available evidence is currently insufficient to determine the role of this variant in disease. Therefore, it has been classified as a Variant of Uncertain Significance.